The following is an entry in ClinVar:

NM_002049.4(GATA1):c.221-4A>G

Gene: GATA1 (GATA binding protein 1; plus strand). Cytogenetic location: Xp11.23.
Variant type: single nucleotide variant.
Coding change: c.221-4A>G on transcript NM_002049.4 (MANE Select); 4 bases into the intron before coding-DNA position 221, A replaced by G.
Molecular consequence: intron variant.
Genome position (GRCh38, 1-based): chrX:48,791,840, A>G. VCF-style: chrX-48791840-A-G. GRCh37 (hg19) VCF-style: chrX-48650247-A-G.
Identifiers: ClinVar variation 1427939 (VCV001427939.15), dbSNP rs782150782, ClinGen allele CA10404573.

ClinVar aggregate classification (germline): Uncertain significance (1 of 4 stars; one submission).

Conditions:
GATA binding protein 1 related thrombocytopenia with dyserythropoiesis. Also called: GATA1-Related Cytopenia; GATA1-Related X-Linked Cytopenia. Identifiers: MedGen C1845837, MONDO:0100089.
Diamond-Blackfan anemia. Also called: Blackfan Diamond syndrome; Aregenerative anemia chronic congenital; Red cell aplasia, pure hereditary; Congenital hypoplastic anemia; Aase syndrome. Identifiers: Orphanet 124, MedGen C1260899, MeSH D029503, MONDO:0015253, HP:0004810.

Allele frequency attached by ClinVar (database versions not stated): gnomAD exomes 0.00001 and below 0.00001; ExAC 0.00001.
gnomAD v4.1: 2 of 1,211,137 alleles (0.00017%); highest among the groups gnomAD compares: Non-Finnish European, 0.00022%; no homozygotes.

Submission:

Labcorp Genetics (formerly Invitae), Labcorp
Classification: Uncertain significance for GATA binding protein 1 related thrombocytopenia with dyserythropoiesis; Diamond-Blackfan anemia. Last evaluated: 2022-07-19. Review status: criteria provided, single submitter. Criteria: Invitae Variant Classification Sherloc (09022015). Collection method: clinical testing. Allele origin: germline.
Comment: In summary, the available evidence is currently insufficient to determine the role of this variant in disease. Therefore, it has been classified as a Variant of Uncertain Significance. Algorithms developed to predict the effect of sequence changes on RNA splicing suggest that this variant may create or strengthen a splice site. ClinVar contains an entry for this variant (Variation ID: 1427939). This variant has not been reported in the literature in individuals affected with GATA1-related conditions. This variant is present in population databases (rs782150782, gnomAD 0.001%). This sequence change falls in intron 2 of the GATA1 gene. It does not directly change the encoded amino acid sequence of the GATA1 protein.